The following is an entry in ClinVar:

NM_012464.5(TLL1):c.1988T>C (p.Phe663Ser)

Gene: TLL1 (tolloid like 1; plus strand). Cytogenetic location: 4q32.3.
Variant type: single nucleotide variant.
Coding change: c.1988T>C on transcript NM_012464.5 (MANE Select); coding-DNA position 1988, T replaced by C.
Protein change: p.Phe663Ser; replaces phenylalanine 663 with serine.
Molecular consequence: missense variant.
Genome position (GRCh38, 1-based): chr4:166,060,169, T>C. VCF-style: chr4-166060169-T-C. GRCh37 (hg19) VCF-style: chr4-166981321-T-C.
Other names: short protein forms F663S.
Identifiers: ClinVar variation 4534884 (VCV004534884.6).

ClinVar aggregate classification (germline): Uncertain significance (1 of 4 stars; one submission).

Submission:

CeGaT Center for Human Genetics Tuebingen
Classification: Uncertain significance. Last evaluated: 2025-11-01. Review status: criteria provided, single submitter. Criteria: CeGaT Center For Human Genetics Tuebingen Variant Classification Criteria Version 2. Collection method: clinical testing. Allele origin: germline. Affected: yes. Observed: 1 variant allele.
Comment: TLL1: PM2